The following is an entry in ClinVar:

NM_000211.5(ITGB2):c.1187C>T (p.Pro396Leu)

Gene: ITGB2 (integrin subunit beta 2; minus strand). Cytogenetic location: 21q22.3.
Variant type: single nucleotide variant.
Coding change: c.1187C>T on transcript NM_000211.5 (MANE Select); coding-DNA position 1187, C replaced by T.
Protein change: p.Pro396Leu; replaces proline 396 with leucine.
Molecular consequence: missense variant.
Genome position (GRCh38, 1-based): chr21:44,893,441, G>A on the plus strand (C>T on the coding strand, the complement: ITGB2 is on the minus strand). VCF-style: chr21-44893441-G-A. GRCh37 (hg19) VCF-style: chr21-46313356-G-A.
Other names: c.1187C>T, p.Pro396Leu (NM_001127491.3); c.980C>T, p.Pro327Leu (NM_001303238.2); short protein forms P396L, P327L.
Identifiers: ClinVar variation 1376139 (VCV001376139.8), dbSNP rs998582323, ClinGen allele CA321897508.

ClinVar aggregate classification (germline): Uncertain significance (1 of 4 stars; one submission).

Conditions:
Leukocyte adhesion deficiency 1 (LAD1). Also called: LAD 1; Lymphocyte function-associated antigen 1 immunodeficiency; LFA 1 immunodeficiency; LEUKOCYTE ADHESION DEFICIENCY, TYPE I. Identifiers: Orphanet 2968, Orphanet 99842, MedGen C0398738, MONDO:0007293, OMIM 116920.

Allele frequency attached by ClinVar (database versions not stated): gnomAD exomes below 0.00001; gnomAD 0.00001; TOPMed 0.00001.
gnomAD v4.1: 6 of 1,614,016 alleles (0.00037%); highest among the groups gnomAD compares: Admixed American, 0.0017%; no homozygotes.

Submission:

Labcorp Genetics (formerly Invitae), Labcorp
Classification: Uncertain significance for Leukocyte adhesion deficiency 1. Last evaluated: 2021-02-28. Review status: criteria provided, single submitter. Criteria: Invitae Variant Classification Sherloc (09022015). Collection method: clinical testing. Allele origin: germline.
Comment: In summary, the available evidence is currently insufficient to determine the role of this variant in disease. Therefore, it has been classified as a Variant of Uncertain Significance. Algorithms developed to predict the effect of missense changes on protein structure and function are either unavailable or do not agree on the potential impact of this missense change (SIFT: "Deleterious"; PolyPhen-2: "Benign"; Align-GVGD: "Class C15"). This variant has not been reported in the literature in individuals with ITGB2-related conditions. This variant is not present in population databases (ExAC no frequency). This sequence change replaces proline with leucine at codon 396 of the ITGB2 protein (p.Pro396Leu). The proline residue is moderately conserved and there is a moderate physicochemical difference between proline and leucine.